The following is an entry in ClinVar:

ClinVar aggregate classification (germline): Likely benign. Review status: criteria provided, multiple submitters, no conflicts (2 of 4 stars). 3 submissions from 3 submitters: Likely benign (2). 1 of the submissions does not count toward it. Last evaluated 2026-01-21.

Conditions:
ATP1A1-related disorder. Also called: ATP1A1-related condition.
Inborn genetic diseases. Identifiers: MedGen C0950123, MeSH D030342.

Allele frequency attached by ClinVar (database versions not stated): gnomAD exomes 0.00002 and 0.00006; ExAC 0.00008; 1000 Genomes Project 30x 0.00016; gnomAD 0.00017 and 0.00019; 1000 Genomes Project 0.00020; TOPMed 0.00021; ESP Exome Variant Server 0.00023.
gnomAD v4.1: 60 of 1,614,168 alleles (0.0037%); highest among the groups gnomAD compares: African/African-American, 0.041%; no homozygotes.

Submissions (3):

Labcorp Genetics (formerly Invitae), Labcorp
Classification: Likely benign. Last evaluated: 2026-01-21. Review status: criteria provided, single submitter. Criteria: Invitae Variant Classification Sherloc (09022015). Collection method: clinical testing. Allele origin: germline.

Ambry Genetics
Classification: Likely benign for Inborn genetic diseases. Last evaluated: 2023-12-20. Review status: criteria provided, single submitter. Criteria: Ambry Variant Classification Scheme 2023. Collection method: clinical testing. Allele origin: germline.

PreventionGenetics, part of Exact Sciences
Classification: Likely benign for ATP1A1-related condition. Last evaluated: 2023-06-06. Review status: no assertion criteria provided. Collection method: clinical testing. Allele origin: germline. Not counted in ClinVar's aggregate classification.
Comment: This variant is classified as likely benign based on ACMG/AMP sequence variant interpretation guidelines (Richards et al. 2015 PMID: 25741868, with internal and published modifications).

NM_000701.8(ATP1A1):c.1184A>G (p.Asn395Ser)

Gene: ATP1A1 (ATPase Na+/K+ transporting subunit alpha 1; plus strand). Cytogenetic location: 1p13.1.
Variant type: single nucleotide variant.
Coding change: c.1184A>G on transcript NM_000701.8 (MANE Select); coding-DNA position 1184, A replaced by G.
Protein change: p.Asn395Ser; replaces asparagine 395 with serine.
Molecular consequence: missense variant.
Genome position (GRCh38, 1-based): chr1:116,390,373, A>G. VCF-style: chr1-116390373-A-G. GRCh37 (hg19) VCF-style: chr1-116932995-A-G.
Other names: c.1184A>G, p.Asn395Ser (NM_001160233.2); c.1091A>G, p.Asn364Ser (NM_001160234.2); c.1184A>G (NM_000701.7, NM_001160233.1); short protein forms N364S, N395S.
Identifiers: ClinVar variation 1464828 (VCV001464828.11), dbSNP rs138556439, ClinGen allele CA1025240.